The following is an entry in ClinVar:

ClinVar aggregate classification (germline): Uncertain significance. Review status: criteria provided, multiple submitters, no conflicts (2 of 4 stars). 2 submissions from 2 submitters: Uncertain significance (2). Last evaluated 2022-08-31.

Conditions:
Inborn genetic diseases. Identifiers: MedGen C0950123, MeSH D030342.

Allele frequency attached by ClinVar (database versions not stated): ExAC 0.00001; TOPMed 0.00005.
gnomAD v4.1: 4 of 1,613,720 alleles (0.00025%); highest among the groups gnomAD compares: Admixed American, 0.0017%; no homozygotes.

Submissions (2):

Labcorp Genetics (formerly Invitae), Labcorp
Classification: Uncertain significance. Last evaluated: 2022-08-31. Review status: criteria provided, single submitter. Criteria: Invitae Variant Classification Sherloc (09022015). Collection method: clinical testing. Allele origin: germline.
Comment: This sequence change replaces valine, which is neutral and non-polar, with glutamic acid, which is acidic and polar, at codon 263 of the LIFR protein (p.Val263Glu). This variant is present in population databases (rs769426755, gnomAD 0.002%). This variant has not been reported in the literature in individuals affected with LIFR-related conditions. Algorithms developed to predict the effect of missense changes on protein structure and function are either unavailable or do not agree on the potential impact of this missense change (SIFT: "Tolerated"; PolyPhen-2: "Possibly Damaging"; Align-GVGD: "Class C0"). In summary, the available evidence is currently insufficient to determine the role of this variant in disease. Therefore, it has been classified as a Variant of Uncertain Significance.

Ambry Genetics
Classification: Uncertain significance for Inborn genetic diseases. Last evaluated: 2021-09-17. Review status: criteria provided, single submitter. Criteria: Ambry Variant Classification Scheme 2023. Collection method: clinical testing. Allele origin: germline.

NM_001127671.2(LIFR):c.788T>A (p.Val263Glu)

Gene: LIFR (LIF receptor subunit alpha; minus strand). Cytogenetic location: 5p13.1.
Variant type: single nucleotide variant.
Coding change: c.788T>A on transcript NM_001127671.2 (MANE Select); coding-DNA position 788, T replaced by A.
Protein change: p.Val263Glu; replaces valine 263 with glutamic acid.
Molecular consequence: missense variant.
Genome position (GRCh38, 1-based): chr5:38,510,667, A>T on the plus strand (T>A on the coding strand, the complement: LIFR is on the minus strand). VCF-style: chr5-38510667-A-T. GRCh37 (hg19) VCF-style: chr5-38510769-A-T.
Other names: c.788T>A, p.Val263Glu (NM_001364297.2, NM_001364298.2, NM_002310.6); c.788T>A (NM_002310.5); short protein forms V263E.
Identifiers: ClinVar variation 2180743 (VCV002180743.2), dbSNP rs769426755, ClinGen allele CA3243106.